The following is an entry in ClinVar:

ClinVar aggregate classification (germline): Pathogenic/Likely pathogenic. Review status: criteria provided, multiple submitters, no conflicts (2 of 4 stars). 3 submissions from 3 submitters: Pathogenic (1); Likely pathogenic (1). 1 of the submissions does not count toward it. Last evaluated 2022-10-05.

Conditions:
Retinal dystrophy. Also called: Inherited retinal dystrophy. Identifiers: Orphanet 71862, MedGen C0854723, MeSH D058499, MONDO:0019118, HP:0000556.
Achromatopsia 3 (ACHM3). Also called: ACHROMATOPSIA WITH MYOPIA; ROD MONOCHROMACY 1; ROD MONOCHROMATISM 1; PINGELAPESE BLINDNESS; TOTAL COLORBLINDNESS WITH MYOPIA. Identifiers: Orphanet 49382, MedGen C1849792, MONDO:0009875, OMIM 262300.

Submissions (3):

Labcorp Genetics (formerly Invitae), Labcorp
Classification: Likely pathogenic. Last evaluated: 2022-10-05. Review status: criteria provided, single submitter. Criteria: Invitae Variant Classification Sherloc (09022015). Collection method: clinical testing. Allele origin: germline.
Comment: Algorithms developed to predict the effect of sequence changes on RNA splicing suggest that this variant may disrupt the consensus splice site. In summary, the currently available evidence indicates that the variant is pathogenic, but additional data are needed to prove that conclusively. Therefore, this variant has been classified as Likely Pathogenic. This sequence change affects an acceptor splice site in intron 7 of the CNGB3 gene. It is expected to disrupt RNA splicing. Variants that disrupt the donor or acceptor splice site typically lead to a loss of protein function (PMID: 16199547), and loss-of-function variants in CNGB3 are known to be pathogenic (PMID: 28795510). This variant is not present in population databases (gnomAD no frequency). Disruption of this splice site has been observed in individual(s) with achromatopsia (PMID: 28795510). ClinVar contains an entry for this variant (Variation ID: 427700).

Institute of Human Genetics, Univ. Regensburg, Univ. Regensburg
Classification: Pathogenic for Retinal dystrophy. Last evaluated: 2019-01-01. Review status: criteria provided, single submitter. Criteria: ACMG Guidelines, 2015. Collection method: clinical testing. Allele origin: germline. Affected: yes.

Molecular Genetics Laboratory, Institute for Ophthalmic Research
Classification: Pathogenic for ACHM3. Last evaluated: 2017-03-27. Review status: no assertion criteria provided. Collection method: research. Allele origin: unknown. Affected: yes. Not counted in ClinVar's aggregate classification.

Literature cited by the submitters: PubMed 16199547 (cited by Labcorp Genetics (formerly Invitae), Labcorp); PubMed 28795510 (cited by Labcorp Genetics (formerly Invitae), Labcorp and Molecular Genetics Laboratory, Institute for Ophthalmic Research); PubMed 28341476 (cited by Institute of Human Genetics, Univ. Regensburg, Univ. Regensburg); PubMed 2879551 (cited by Institute of Human Genetics, Univ. Regensburg, Univ. Regensburg).

NM_019098.5(CNGB3):c.904-2A>T

Gene: CNGB3 (cyclic nucleotide gated channel subunit beta 3; minus strand). Cytogenetic location: 8q21.3.
Variant type: single nucleotide variant.
Coding change: c.904-2A>T on transcript NM_019098.5 (MANE Select); the canonical splice acceptor site of the intron before coding-DNA position 904, A replaced by T.
Molecular consequence: splice acceptor variant.
Genome position (GRCh38, 1-based): chr8:86,647,889, T>A on the plus strand (A>T on the coding strand, the complement: CNGB3 is on the minus strand). VCF-style: chr8-86647889-T-A. GRCh37 (hg19) VCF-style: chr8-87660117-T-A.
Identifiers: ClinVar variation 427700 (VCV000427700.8), dbSNP rs1554612159, ClinGen allele CA371448324.